The following is an entry in ClinVar:

NM_144997.7(FLCN):c.754dup (p.Ala252fs)

Gene: FLCN (folliculin; minus strand). Cytogenetic location: 17p11.2.
Variant type: Duplication.
Coding change: c.754dup on transcript NM_144997.7 (MANE Select); coding-DNA position 754, one base duplicated (G; older notation c.754dupG).
Protein change: p.Ala252fs; shifts the reading frame from alanine 252.
Molecular consequence: frameshift variant.
Genome position (GRCh38, 1-based): chr17:17,222,526, C duplicated on the plus strand (G on the coding strand, the reverse complement: FLCN is on the minus strand); the first of 3 consecutive C bases (chr17:17,222,526-17,222,528); duplicating any one gives the same sequence. VCF-style (leftmost placement, unchanged base first): chr17-17222525-G-GC. GRCh37 (hg19) VCF-style: chr17-17125839-G-GC.
Other names: c.808dup, p.Ala270fs (NM_001353229.2); c.754dup, p.Ala252fs (NM_001353230.2, NM_001353231.2, NM_144606.7); c.754dupG (NM_144997.5); short protein forms A270fs, A252fs.
Identifiers: ClinVar variation 1759475 (VCV001759475.2), dbSNP rs2544232305, ClinGen allele CA2580092626.

ClinVar aggregate classification (germline): Pathogenic (1 of 4 stars; one submission).

Conditions:
Hereditary cancer-predisposing syndrome. Also called: Neoplastic Syndromes, Hereditary; Tumor predisposition; Hereditary Cancer Syndrome; Hereditary neoplastic syndrome. Identifiers: Orphanet 140162, MedGen C0027672, MeSH D009386, MONDO:0015356.

Submission:

Ambry Genetics
Classification: Pathogenic for Hereditary cancer-predisposing syndrome. Last evaluated: 2021-08-02. Review status: criteria provided, single submitter. Criteria: Ambry Variant Classification Scheme 2023. Collection method: clinical testing. Allele origin: germline.
Comment: The c.754dupG pathogenic mutation, located in coding exon 4 of the FLCN gene, results from a duplication of G at nucleotide position 754, causing a translational frameshift with a predicted alternate stop codon (p.A252Gfs*40). This variant is considered to be rare based on population cohorts in the Genome Aggregation Database (gnomAD). This alteration is expected to result in loss of function by premature protein truncation or nonsense-mediated mRNA decay. As such, this alteration is interpreted as a disease-causing mutation.